The following is an entry in ClinVar:

ClinVar aggregate classification (germline): Likely benign. Review status: criteria provided, multiple submitters, no conflicts (2 of 4 stars). 3 submissions from 3 submitters: Likely benign (3). Last evaluated 2024-12-04.

Conditions:
Hereditary cancer-predisposing syndrome. Also called: Neoplastic Syndromes, Hereditary; Tumor predisposition; Hereditary Cancer Syndrome; Hereditary neoplastic syndrome. Identifiers: Orphanet 140162, MedGen C0027672, MeSH D009386, MONDO:0015356.
Neuroblastoma, susceptibility to, 3. Also called: ALK-Related Neuroblastic Tumor Susceptibility. Identifiers: Orphanet 635, MedGen C2751681, MONDO:0013083, OMIM 613014.

Allele frequency attached by ClinVar (database versions not stated): gnomAD exomes 0.00002.
gnomAD v4.1: 35 of 1,613,930 alleles (0.0022%); highest among the groups gnomAD compares: Non-Finnish European, 0.003%; no homozygotes.

Submissions (3):

Labcorp Genetics (formerly Invitae), Labcorp
Classification: Likely benign for Neuroblastoma, susceptibility to, 3. Last evaluated: 2024-12-04. Review status: criteria provided, single submitter. Criteria: Invitae Variant Classification Sherloc (09022015). Collection method: clinical testing. Allele origin: germline.

Ambry Genetics
Classification: Likely benign for Hereditary cancer-predisposing syndrome. Last evaluated: 2022-05-07. Review status: criteria provided, single submitter. Criteria: Ambry Variant Classification Scheme 2023. Collection method: clinical testing. Allele origin: germline.

GeneDx
Classification: Likely benign. Last evaluated: 2018-02-02. Review status: criteria provided, single submitter. Criteria: GeneDx Variant Classification (06012015). Collection method: clinical testing. Allele origin: germline. Affected: yes.
Comment: This variant is considered likely benign or benign based on one or more of the following criteria: it is a conservative change, it occurs at a poorly conserved position in the protein, it is predicted to be benign by multiple in silico algorithms, and/or has population frequency not consistent with disease.

NM_004304.5(ALK):c.4146G>A (p.Arg1382=)

Gene: ALK (ALK receptor tyrosine kinase; minus strand). Cytogenetic location: 2p23.2.
Variant type: single nucleotide variant.
Coding change: c.4146G>A on transcript NM_004304.5 (MANE Select); coding-DNA position 4146, G replaced by A.
Protein change: p.Arg1382=; no amino-acid change (arginine 1382 retained).
Molecular consequence: synonymous variant.
Genome position (GRCh38, 1-based): chr2:29,196,788, C>T on the plus strand (G>A on the coding strand, the complement: ALK is on the minus strand). VCF-style: chr2-29196788-C-T. GRCh37 (hg19) VCF-style: chr2-29419654-C-T.
Other names: c.942G>A, p.Arg314= (NM_001353765.2).
Identifiers: ClinVar variation 515291 (VCV000515291.11), dbSNP rs1553387973, ClinGen allele CA425433774.